The following is an entry in ClinVar:

NM_022047.4(DEF6):c.1157G>T (p.Arg386Leu)

Gene: DEF6 (DEF6 guanine nucleotide exchange factor; plus strand). Cytogenetic location: 6p21.31.
Variant type: single nucleotide variant.
Coding change: c.1157G>T on transcript NM_022047.4 (MANE Select); coding-DNA position 1157, G replaced by T.
Protein change: p.Arg386Leu; replaces arginine 386 with leucine.
Molecular consequence: missense variant.
Genome position (GRCh38, 1-based): chr6:35,318,413, G>T. VCF-style: chr6-35318413-G-T. GRCh37 (hg19) VCF-style: chr6-35286190-G-T.
Other names: short protein forms R386L.
Identifiers: ClinVar variation 1353274 (VCV001353274.5), dbSNP rs902941435, ClinGen allele CA137283003.

ClinVar aggregate classification (germline): Uncertain significance (1 of 4 stars; one submission).

gnomAD v4.1: 7 of 1,523,944 alleles (0.00046%); highest among the groups gnomAD compares: Non-Finnish European, 0.00053%; no homozygotes.

Submission:

Labcorp Genetics (formerly Invitae), Labcorp
Classification: Uncertain significance. Last evaluated: 2022-06-03. Review status: criteria provided, single submitter. Criteria: Invitae Variant Classification Sherloc (09022015). Collection method: clinical testing. Allele origin: germline.
Comment: This sequence change replaces arginine, which is basic and polar, with leucine, which is neutral and non-polar, at codon 386 of the DEF6 protein (p.Arg386Leu). This variant is not present in population databases (gnomAD no frequency). This variant has not been reported in the literature in individuals affected with DEF6-related conditions. ClinVar contains an entry for this variant (Variation ID: 1353274). Algorithms developed to predict the effect of missense changes on protein structure and function are either unavailable or do not agree on the potential impact of this missense change (SIFT: "Deleterious"; PolyPhen-2: "Benign"; Align-GVGD: "Class C0"). In summary, the available evidence is currently insufficient to determine the role of this variant in disease. Therefore, it has been classified as a Variant of Uncertain Significance.